The following is an entry in ClinVar:

ClinVar aggregate classification (germline): Uncertain significance (1 of 4 stars; one submission).

Allele frequency attached by ClinVar (database versions not stated): ExAC 0.00001; gnomAD 0.00001.
gnomAD v4.1: 7 of 1,614,046 alleles (0.00043%); highest among the groups gnomAD compares: East Asian, 0.0022%; no homozygotes.

Submission:

Labcorp Genetics (formerly Invitae), Labcorp
Classification: Uncertain significance. Last evaluated: 2022-06-04. Review status: criteria provided, single submitter. Criteria: Invitae Variant Classification Sherloc (09022015). Collection method: clinical testing. Allele origin: germline.
Comment: This sequence change replaces arginine, which is basic and polar, with histidine, which is basic and polar, at codon 400 of the TWNK protein (p.Arg400His). This variant is present in population databases (rs781016340, gnomAD 0.0009%). This variant has not been reported in the literature in individuals affected with TWNK-related conditions. Algorithms developed to predict the effect of missense changes on protein structure and function are either unavailable or do not agree on the potential impact of this missense change (SIFT: "Deleterious"; PolyPhen-2: "Benign"; Align-GVGD: "Class C0"). In summary, the available evidence is currently insufficient to determine the role of this variant in disease. Therefore, it has been classified as a Variant of Uncertain Significance.

NM_021830.5(TWNK):c.1199G>A (p.Arg400His)

Gene: TWNK (twinkle mtDNA helicase; plus strand). Cytogenetic location: 10q24.31.
Variant type: single nucleotide variant.
Coding change: c.1199G>A on transcript NM_021830.5 (MANE Select); coding-DNA position 1199, G replaced by A.
Protein change: p.Arg400His; replaces arginine 400 with histidine.
Molecular consequence: missense variant. On other transcripts: non-coding transcript variant (4), intron variant (3).
Genome position (GRCh38, 1-based): chr10:100,989,409, G>A. VCF-style: chr10-100989409-G-A. GRCh37 (hg19) VCF-style: chr10-102749166-G-A.
Other names: c.1199G>A, p.Arg400His (NM_001163812.2); c.-119-235G>A (NM_001163814.2, NM_001163813.2); c.-57-297G>A (NM_001368275.1); short protein forms R400H.
Identifiers: ClinVar variation 1975625 (VCV001975625.5), dbSNP rs781016340, ClinGen allele CA5653177.
Genomic context (GRCh38, chr10:100,989,409, plus strand): 5'-AACTGTCAAATGTGGAGCAAGCAGCTGGCCTCCGCTGGAGCCGCTTTCCAGACCTCAATC[G>A]TATCTTGAAGGGACATCGAAAGGGCGAGCTGACGGTCTTCACAGGTAACCCTTTGAGAAA-3'
Protein context (NP_068602.2, residues 390-410): LRWSRFPDLN[Arg400His]ILKGHRKGEL